The following is an entry in ClinVar:

NM_007294.4(BRCA1):c.889A>C (p.Met297Leu)

Gene: BRCA1 (BRCA1 DNA repair associated; minus strand). Cytogenetic location: 17q21.31.
Variant type: single nucleotide variant.
Coding change: c.889A>C on transcript NM_007294.4 (MANE Select); coding-DNA position 889, A replaced by C.
Protein change: p.Met297Leu; replaces methionine 297 with leucine.
Molecular consequence: missense variant. On other transcripts: initiator codon variant (2), intron variant (137).
Genome position (GRCh38, 1-based): chr17:43,094,642, T>G on the plus strand (A>C on the coding strand, the complement: BRCA1 is on the minus strand). VCF-style: chr17-43094642-T-G. GRCh37 (hg19) VCF-style: chr17-41246659-T-G.
Other names: c.676A>C, p.Met226Leu (NM_001407571.1, NM_001407853.1, NM_001407894.1 and 9 more transcripts); c.889A>C, p.Met297Leu (NM_001407581.1, NM_001407582.1, NM_001407583.1 and 30 more transcripts); c.886A>C, p.Met296Leu (NM_001407587.1, NM_001407590.1, NM_001407591.1 and 22 more transcripts); c.811A>C, p.Met271Leu (NM_001407658.1, NM_001407663.1, NM_001407653.1 and 4 more transcripts); c.808A>C, p.Met270Leu (NM_001407659.1, NM_001407660.1, NM_001407661.1 and 1 more transcripts); c.766A>C, p.Met256Leu (NM_001407664.1, NM_001407665.1, NM_001407666.1 and 19 more transcripts); c.763A>C, p.Met255Leu (NM_001407685.1, NM_001407940.1, NM_001407941.1 and 11 more transcripts); c.748A>C, p.Met250Leu (NM_001407697.1, NM_001407698.1, NM_001407724.1 and 29 more transcripts); and 40 more; short protein forms M297L, M250L, M129L, M169L, M185L, M186L, M1L, M208L.
Identifiers: ClinVar variation 55741 (VCV000055741.27), dbSNP rs80357196, ClinGen allele CA003948.

ClinVar aggregate classification (germline): Conflicting classifications of pathogenicity. Review status: criteria provided, conflicting classifications (1 of 4 stars). 10 submissions from 10 submitters: Uncertain significance (5); Likely benign (2). 3 of the submissions do not count toward it. Last evaluated 2026-01-17.

Conditions:
Hereditary cancer-predisposing syndrome. Also called: Hereditary Cancer Syndrome; Hereditary neoplastic syndrome; Neoplastic Syndromes, Hereditary; Tumor predisposition. Identifiers: Orphanet 140162, MedGen C0027672, MeSH D009386, MONDO:0015356.
Hereditary breast ovarian cancer syndrome. Also called: BRCA1- and BRCA2-Associated Hereditary Breast and Ovarian Cancer; Hereditary breast and ovarian cancer syndrome; Hereditary breast and ovarian cancer syndrome (HBOC); Breast and ovarian cancer; Hereditary breast and/or ovarian cancer syndrome; Hereditary breast and ovarian cancer. Identifiers: Orphanet 145, MedGen C0677776, MeSH D061325, MONDO:0003582. Disease mechanism: loss of function.
Breast-ovarian cancer, familial, susceptibility to, 1 (BROVCA1). Also called: BRCA1 Hereditary Breast and Ovarian Cancer; OVARIAN CANCER, SUSCEPTIBILITY TO. Identifiers: Orphanet 145, MedGen C2676676, MONDO:0011450, OMIM 604370. Disease mechanism: loss of function.

Allele frequency attached by ClinVar (database versions not stated): TOPMed 0.00001.
gnomAD v4.1: 1 of 1,614,210 alleles (0.000062%); highest among the groups gnomAD compares: Non-Finnish European, 0.000085%; no homozygotes.

Submissions (10):

Labcorp Genetics (formerly Invitae), Labcorp
Classification: Uncertain significance for Hereditary breast ovarian cancer syndrome. Last evaluated: 2026-01-17. Review status: criteria provided, single submitter. Criteria: Invitae Variant Classification Sherloc (09022015). Collection method: clinical testing. Allele origin: germline.
Comment: This sequence change replaces methionine, which is neutral and non-polar, with leucine, which is neutral and non-polar, at codon 297 of the BRCA1 protein (p.Met297Leu). This variant is not present in population databases (gnomAD no frequency). This missense change has been observed in individual(s) with clinical features of BRCA1-related conditions (PMID: 15235020, 27062684, 30254663, 34178674). ClinVar contains an entry for this variant (Variation ID: 55741). Invitae Evidence Modeling of protein sequence and biophysical properties (such as structural, functional, and spatial information, amino acid conservation, physicochemical variation, residue mobility, and thermodynamic stability) indicates that this missense variant is not expected to disrupt BRCA1 protein function with a negative predictive value of 80%. In summary, the available evidence is currently insufficient to determine the role of this variant in disease. Therefore, it has been classified as a Variant of Uncertain Significance.

Ambry Genetics
Classification: Uncertain significance for Hereditary cancer-predisposing syndrome. Last evaluated: 2025-12-15. Review status: criteria provided, single submitter. Criteria: Ambry Variant Classification Scheme 2023. Collection method: clinical testing. Allele origin: germline.
Comment: The p.M297L variant (also known as c.889A>C), located in coding exon 9 of the BRCA1 gene, results from an A to C substitution at nucleotide position 889. The methionine at codon 297 is replaced by leucine, an amino acid with highly similar properties. This alteration was reported in trans with a BRCA1 pathogenic mutation based on haplotype analysis in a patient with breast and/or ovarian cancer who underwent clinical genetic testing, and was classified as a variant of unknown significance (Judkins T et al. Cancer Res. 2005 Nov;65(21):10096-103). In a study of 1854 high-risk breast/ovarian cancer families in Italy, this alteration was detected in one family (Azzollini J et al. Eur. J. Intern. Med., 2016 Jul;32:65-71). This alteration was also observed in 1 of 1045 Italian patients with breast and/or ovarian cancer fulfilling established criteria for HBOC genetic testing (Zuntini R et al. Front Genet, 2018 Sep;9:378). This amino acid position is not well conserved in available vertebrate species. In addition, the in silico prediction for this alteration is inconclusive. Since supporting evidence is limited at this time, the clinical significance of this alteration remains unclear.

Women's Health and Genetics/Laboratory Corporation of America, LabCorp
Classification: Uncertain significance. Last evaluated: 2024-11-12. Review status: criteria provided, single submitter. Criteria: LabCorp Variant Classification Summary - May 2015. Collection method: clinical testing. Allele origin: germline.
Comment: Variant summary: BRCA1 c.889A>C (p.Met297Leu) results in a conservative amino acid change in the encoded protein sequence. Four of four in-silico tools predict a benign effect of the variant on protein function. The variant was absent in 251274 control chromosomes. The available data on variant occurrences in the general population are insufficient to allow any conclusion about variant significance. c.889A>C has been reported in the literature in individuals affected with Hereditary Breast And Ovarian Cancer Syndrome, without strong evidence for causality (Azzollini_2016, Fanale_2021, Zuntini_2018 ). These report(s) do not provide unequivocal conclusions about association of the variant with Hereditary Breast And Ovarian Cancer Syndrome. To our knowledge, no experimental evidence demonstrating an impact on protein function has been reported. The following publications have been ascertained in the context of this evaluation (PMID: 27062684, 34178674, 30254663). ClinVar contains an entry for this variant (Variation ID: 55741). Based on the evidence outlined above, the variant was classified as uncertain significance.

University of Washington Department of Laboratory Medicine, University of Washington
Classification: Likely benign for Hereditary cancer-predisposing syndrome. Last evaluated: 2023-03-23. Review status: criteria provided, single submitter. Criteria: Dines et al. (Genet Med. 2020). Collection method: curation. Allele origin: germline.
Comment: Missense variant in a coldspot region where missense variants are very unlikely to be pathogenic (PMID:31911673).

BRCA1 coldspot (exon 11 using historical exon numbering). Reclassification based on statistical prior probability

GeneDx
Classification: Uncertain significance. Last evaluated: 2022-07-26. Review status: criteria provided, single submitter. Criteria: GeneDx Variant Classification Process June 2021. Collection method: clinical testing. Allele origin: germline. Affected: yes.
Comment: Not observed at significant frequency in large population cohorts (gnomAD); In silico analysis supports that this missense variant does not alter protein structure/function; Also known as 1008A>C; Observed in individuals with breast and/or ovarian cancer (Azzollini et al., 2016; Zuntini et al., 2018; Fanale et al., 2021); This variant is associated with the following publications: (PMID: 31131967, 27062684, 16267036, 15235020, 34178674, 30254663, 20215511, 15343273, 9788437, 9926942, 9582019)

Color Diagnostics, LLC DBA Color Health
Classification: Uncertain significance for Hereditary cancer-predisposing syndrome. Last evaluated: 2022-06-07. Review status: criteria provided, single submitter. Criteria: ACMG Guidelines, 2015. Collection method: clinical testing. Allele origin: germline.
Comment: This missense variant replaces methionine with leucine at codon 297 of the BRCA1 protein. Computational prediction is inconclusive regarding the impact of this variant on protein structure and function (internally defined REVEL score threshold 0.5 < inconclusive < 0.7, PMID: 27666373). To our knowledge, functional studies have not been reported for this variant. This variant has been reported in at least one individual affected with breast cancer and one suspected hereditary breast and ovarian cancer family (PMID: 27062684, 30254663, 32380732, 34178674). This variant has not been identified in the general population by the Genome Aggregation Database (gnomAD). The available evidence is insufficient to determine the role of this variant in disease conclusively. Therefore, this variant is classified as a Variant of Uncertain Significance.

Cancer Genetics and Genomics Laboratory, British Columbia Cancer Agency
Classification: Likely benign. Last evaluated: 2017-04-18. Review status: criteria provided, single submitter. Criteria: ACMG Guidelines, 2015. Collection method: clinical testing. Allele origin: germline. Study: The Canadian Open Genetics Repository (COGR).

Department of Medical and Surgical Sciences, University of Bologna
Classification: Likely benign for Breast-ovarian cancer, familial, susceptibility to, 1. Last evaluated: 2023-09-01. Review status: no assertion criteria provided. Collection method: clinical testing. Allele origin: germline. Affected: yes. Not counted in ClinVar's aggregate classification.
Comment: PM2(Supporting)+BP1(Strong) according to ACMG/AMP classification guidelines specified for BRCA1 & BRCA2 (Classification Criteria V1.0.0 2023-09-08) (PMID: 38160042)

Counsyl
Classification: Uncertain significance for Breast-ovarian cancer, familial, susceptibility to, 1. Last evaluated: 2018-05-03. Review status: no assertion criteria provided. Collection method: clinical testing. Allele origin: unknown. Not counted in ClinVar's aggregate classification.

Breast Cancer Information Core (BIC) (BRCA1)
Classification: Uncertain significance for Breast-ovarian cancer, familial 1. Last evaluated: 2002-05-29. Review status: no assertion criteria provided. Collection method: clinical testing. Allele origin: germline. Affected: yes. Observed: 1 variant allele. Not counted in ClinVar's aggregate classification.

Literature cited by the submitters: PubMed 15235020 (cited by Labcorp Genetics (formerly Invitae), Labcorp and Counsyl); PubMed 27062684 (cited by 4 submitters); PubMed 30254663 (cited by 4 submitters); PubMed 34178674 (cited by 3 submitters); PubMed 16267036 (cited by Ambry Genetics and Counsyl); PubMed 32380732 (cited by Color Diagnostics, LLC DBA Color Health).